The following is an entry in ClinVar:

NM_006231.4(POLE):c.2770C>A (p.Arg924Ser)

Gene: POLE (DNA polymerase epsilon, catalytic subunit; minus strand). Cytogenetic location: 12q24.33.
Variant type: single nucleotide variant.
Coding change: c.2770C>A on transcript NM_006231.4 (MANE Select); coding-DNA position 2770, C replaced by A.
Protein change: p.Arg924Ser; replaces arginine 924 with serine.
Molecular consequence: missense variant.
Genome position (GRCh38, 1-based): chr12:132,661,621, G>T on the plus strand (C>A on the coding strand, the complement: POLE is on the minus strand). VCF-style: chr12-132661621-G-T. GRCh37 (hg19) VCF-style: chr12-133238207-G-T.
Other names: short protein forms R924S.
Identifiers: ClinVar variation 540791 (VCV000540791.5), dbSNP rs369751686, ClinGen allele CA387393862.

ClinVar aggregate classification (germline): Uncertain significance. Review status: criteria provided, multiple submitters, no conflicts (2 of 4 stars). 2 submissions from 2 submitters: Uncertain significance (2). Last evaluated 2021-10-12.

Conditions:
Colorectal cancer, susceptibility to, 12 (CRCS12). Also called: COLORECTAL CANCER, SUSCEPTIBILITY TO, ON CHROMOSOME 12q24. Identifiers: Orphanet 220460, MedGen C3554460, MONDO:0014038, OMIM 615083.
Hereditary cancer-predisposing syndrome. Also called: Neoplastic Syndromes, Hereditary; Hereditary Cancer Syndrome; Hereditary neoplastic syndrome; Tumor predisposition. Identifiers: Orphanet 140162, MedGen C0027672, MeSH D009386, MONDO:0015356.

Allele frequency attached by ClinVar (database versions not stated): TOPMed 0.00001.

Submissions (2):

Ambry Genetics
Classification: Uncertain significance for Hereditary cancer-predisposing syndrome. Last evaluated: 2021-10-12. Review status: criteria provided, single submitter. Criteria: Ambry Variant Classification Scheme 2023. Collection method: clinical testing. Allele origin: germline.
Comment: The p.R924S variant (also known as c.2770C>A), located in coding exon 24 of the POLE gene, results from a C to A substitution at nucleotide position 2770. The arginine at codon 924 is replaced by serine, an amino acid with dissimilar properties. This amino acid position is conserved. In addition, this alteration is predicted to be tolerated by in silico analysis. Since supporting evidence is limited at this time, the clinical significance of this alteration remains unclear.

Labcorp Genetics (formerly Invitae), Labcorp
Classification: Uncertain significance for Colorectal cancer, susceptibility to, 12. Last evaluated: 2021-08-31. Review status: criteria provided, single submitter. Criteria: Invitae Variant Classification Sherloc (09022015). Collection method: clinical testing. Allele origin: germline.
Comment: This sequence change replaces arginine with serine at codon 924 of the POLE protein (p.Arg924Ser). The arginine residue is moderately conserved and there is a moderate physicochemical difference between arginine and serine. This variant is not present in population databases (ExAC no frequency). This variant has not been reported in the literature in individuals affected with POLE-related conditions. Algorithms developed to predict the effect of missense changes on protein structure and function (SIFT, PolyPhen-2, Align-GVGD) all suggest that this variant is likely to be tolerated. Algorithms developed to predict the effect of sequence changes on RNA splicing suggest that this variant may create or strengthen a splice site. In summary, the available evidence is currently insufficient to determine the role of this variant in disease. Therefore, it has been classified as a Variant of Uncertain Significance.